The following is an entry in ClinVar:

ClinVar aggregate classification (germline): Uncertain significance (1 of 4 stars; one submission).

Allele frequency attached by ClinVar (database versions not stated): gnomAD exomes below 0.00001.
gnomAD v4.1: 1 of 1,613,762 alleles (0.000062%); highest among the groups gnomAD compares: Non-Finnish European, 0.000085%; no homozygotes.

Submission:

Labcorp Genetics (formerly Invitae), Labcorp
Classification: Uncertain significance. Last evaluated: 2024-09-05. Review status: criteria provided, single submitter. Criteria: Invitae Variant Classification Sherloc (09022015). Collection method: clinical testing. Allele origin: germline.
Comment: This sequence change replaces valine, which is neutral and non-polar, with glycine, which is neutral and non-polar, at codon 130 of the MOCS2B protein (p.Val130Gly). This variant is not present in population databases (gnomAD no frequency). This variant has not been reported in the literature in individuals affected with MOCS2B-related conditions. An algorithm developed to predict the effect of missense changes on protein structure and function (PolyPhen-2) suggests that this variant is likely to be disruptive. In summary, the available evidence is currently insufficient to determine the role of this variant in disease. Therefore, it has been classified as a Variant of Uncertain Significance.

NM_004531.5(MOCS2):c.389T>G (p.Val130Gly)

Gene: MOCS2 (molybdenum cofactor synthesis 2; minus strand). Cytogenetic location: 5q11.2.
Variant type: single nucleotide variant.
Coding change: c.389T>G on transcript NM_004531.5 (MANE Select); coding-DNA position 389, T replaced by G.
Protein change: p.Val130Gly; replaces valine 130 with glycine.
Molecular consequence: missense variant. On other transcripts: 3 prime UTR variant (1).
Genome position (GRCh38, 1-based): chr5:53,100,523, A>C on the plus strand (T>G on the coding strand, the complement: MOCS2 is on the minus strand). VCF-style: chr5-53100523-A-C. GRCh37 (hg19) VCF-style: chr5-52396353-A-C.
Other names: c.*309T>G (NM_176806.4); c.389T>G, p.Val130Gly (NM_183418.1); short protein forms V130G.
Identifiers: ClinVar variation 2859803 (VCV002859803.3), dbSNP rs2478595418, ClinGen allele CA359692934.